The following is an entry in ClinVar:

NM_001040142.2(SCN2A):c.1387G>A (p.Ala463Thr)

Gene: SCN2A (sodium voltage-gated channel alpha subunit 2; plus strand). Cytogenetic location: 2q24.3.
Variant type: single nucleotide variant.
Coding change: c.1387G>A on transcript NM_001040142.2 (MANE Select); coding-DNA position 1387, G replaced by A.
Protein change: p.Ala463Thr; replaces alanine 463 with threonine.
Molecular consequence: missense variant.
Genome position (GRCh38, 1-based): chr2:165,315,474, G>A. VCF-style: chr2-165315474-G-A. GRCh37 (hg19) VCF-style: chr2-166171984-G-A.
Other names: c.1387G>A, p.Ala463Thr (NM_001040143.2, NM_001371246.1, NM_001371247.1 and 1 more transcripts); c.1387G>A (NM_021007.2); short protein forms A463T.
Identifiers: ClinVar variation 3748362 (VCV003748362.3).

ClinVar aggregate classification (germline): Uncertain significance. Review status: criteria provided, multiple submitters, no conflicts (2 of 4 stars). 2 submissions from 2 submitters: Uncertain significance (2). Last evaluated 2026-03-18.

Conditions:
Seizures, benign familial infantile, 3 (BFIS3). Also called: CONVULSIONS, BENIGN FAMILIAL INFANTILE, 3; Familial neonatal seizures. Identifiers: Orphanet 140927, Orphanet 306, MedGen C1843140, MONDO:0011904, OMIM 607745.
Developmental and epileptic encephalopathy, 11 (DEE11). Also called: Early infantile epileptic encephalopathy 11. Identifiers: Orphanet 1934, MedGen C3150987, MONDO:0013388, OMIM 613721.

Submissions (2):

GeneDx
Classification: Uncertain significance. Last evaluated: 2026-03-18. Review status: criteria provided, single submitter. Criteria: GeneDx Variant Classification Process June 2021. Collection method: clinical testing. Allele origin: germline.
Comment: Not observed at significant frequency in large population cohorts (gnomAD); In silico analysis suggests that this missense variant does not alter protein structure/function; Has not been previously published as pathogenic or benign to our knowledge; This substitution is predicted to be in the cytoplasmic loop between the first and second homologous domains

Labcorp Genetics (formerly Invitae), Labcorp
Classification: Uncertain significance for Seizures, benign familial infantile, 3; Developmental and epileptic encephalopathy, 11. Last evaluated: 2025-01-08. Review status: criteria provided, single submitter. Criteria: Invitae Variant Classification Sherloc (09022015). Collection method: clinical testing. Allele origin: germline.
Comment: This sequence change replaces alanine, which is neutral and non-polar, with threonine, which is neutral and polar, at codon 463 of the SCN2A protein (p.Ala463Thr). This variant is not present in population databases (gnomAD no frequency). This variant has not been reported in the literature in individuals affected with SCN2A-related conditions. Invitae Evidence Modeling of protein sequence and biophysical properties (such as structural, functional, and spatial information, amino acid conservation, physicochemical variation, residue mobility, and thermodynamic stability) indicates that this missense variant is not expected to disrupt SCN2A protein function with a negative predictive value of 95%. In summary, the available evidence is currently insufficient to determine the role of this variant in disease. Therefore, it has been classified as a Variant of Uncertain Significance.